The following is an entry in ClinVar:

ClinVar aggregate classification (germline): Uncertain significance (1 of 4 stars; one submission).

Submission:

Labcorp Genetics (formerly Invitae), Labcorp
Classification: Uncertain significance. Last evaluated: 2022-08-23. Review status: criteria provided, single submitter. Criteria: Invitae Variant Classification Sherloc (09022015). Collection method: clinical testing. Allele origin: germline.
Comment: In summary, the available evidence is currently insufficient to determine the role of this variant in disease. Therefore, it has been classified as a Variant of Uncertain Significance. This variant has not been reported in the literature in individuals affected with TNFRSF6B-related conditions. This variant is not present in population databases (gnomAD no frequency). This sequence change creates a premature translational stop signal (p.Glu166Alafs*24) in the TNFRSF6B gene. It is expected to result in an absent or disrupted protein product. However, the current clinical and genetic evidence is not sufficient to establish whether loss-of-function variants in TNFRSF6B cause disease.

NM_003823.4(TNFRSF6B):c.497_498del (p.Glu166fs)

Genes: RTEL1-TNFRSF6B (RTEL1-TNFRSF6B readthrough (NMD candidate); plus strand), TNFRSF6B (TNF receptor superfamily member 6b; plus strand). Cytogenetic location: 20q13.33.
Variant type: Microsatellite.
Coding change: c.497_498del on transcript NM_003823.4 (MANE Select); coding-DNA positions 497 to 498, 2 bases deleted (AG; older notation c.497_498delAG).
Protein change: p.Glu166fs; shifts the reading frame from glutamic acid 166.
Molecular consequence: frameshift variant. On other transcripts: non-coding transcript variant (1).
Genome position (GRCh38, 1-based): chr20:63,697,400-63,697,401, AG deleted; deleting any 2 consecutive bases within chr20:63,697,398-63,697,401 gives the same sequence; the c. name uses the placement nearest the transcript's 3' end. VCF-style (leftmost placement, unchanged base first): chr20-63697397-CAG-C. GRCh37 (hg19) VCF-style: chr20-62328750-CAG-C.
Other names: short protein forms E166fs.
Identifiers: ClinVar variation 1406593 (VCV001406593.6), dbSNP rs2091005625, ClinGen allele CA2374937119.